The following is an entry in ClinVar:

NM_003000.3(SDHB):c.713del (p.Phe238fs)

Gene: SDHB (succinate dehydrogenase complex iron sulfur subunit B; minus strand). Cytogenetic location: 1p36.13.
Variant type: Deletion.
Coding change: c.713del on transcript NM_003000.3 (MANE Select); coding-DNA position 713, one base deleted (T; older notation c.713delT).
Protein change: p.Phe238fs; shifts the reading frame from phenylalanine 238.
Molecular consequence: frameshift variant.
Genome position (GRCh38, 1-based): chr1:17,022,660, A deleted on the plus strand (T on the coding strand, the reverse complement: SDHB is on the minus strand); the first of 2 consecutive A bases (chr1:17,022,660-17,022,661); deleting either gives the same sequence. VCF-style (leftmost placement, unchanged base first): chr1-17022659-GA-G. GRCh37 (hg19) VCF-style: chr1-17349154-GA-G.
Other names: c.713delT (NM_003000.2); short protein forms F238fs.
Identifiers: ClinVar variation 233795 (VCV000233795.16), dbSNP rs876660642, ClinGen allele CA10577669.

ClinVar aggregate classification (germline): Pathogenic. Review status: criteria provided, multiple submitters, no conflicts (2 of 4 stars). 5 submissions from 5 submitters: Pathogenic (5). Last evaluated 2025-08-06.

Conditions:
Hereditary cancer-predisposing syndrome. Also called: Neoplastic Syndromes, Hereditary; Hereditary neoplastic syndrome; Hereditary Cancer Syndrome; Tumor predisposition. Identifiers: Orphanet 140162, MedGen C0027672, MeSH D009386, MONDO:0015356.
Gastrointestinal stromal tumor. Also called: Gastrointestinal stromal tumor, somatic; Gastrointestinal stroma tumor. Identifiers: Orphanet 44890, MedGen C0238198, MeSH D046152, MONDO:0011719, OMIM 606764, HP:0100723.
Pheochromocytoma. Also called: MAX-Related Hereditary Paraganglioma-Pheochromocytoma Syndrome. Identifiers: Orphanet 29072, MedGen C0031511, MONDO:0008233, OMIM 171300, HP:0002666.
Pheochromocytoma/paraganglioma syndrome 4. Also called: PARAGANGLIOMA, FAMILIAL MALIGNANT; PARAGANGLIOMAS, HEREDITARY EXTRAADRENAL; PHEOCHROMOCYTOMA, FAMILIAL EXTRAADRENAL; Paragangliomas 4; SDHB-Related Hereditary Paraganglioma-Pheochromocytoma Syndrome (Paragangliomas 4); SDHB-Related Hereditary Paraganglioma-Pheochromocytoma Syndrome. Identifiers: Orphanet 29072, MedGen C1861848, MONDO:0007273, OMIM 115310.
Hereditary pheochromocytoma and paraganglioma. Also called: Hereditary Paraganglioma-Pheochromocytoma Syndromes; Hereditary pheochromocytoma-paraganglioma; Hereditary paragangliomas and pheochromocytomas. Identifiers: Orphanet 29072, MedGen C4274332, MONDO:0017366.

Submissions (5):

Myriad Genetics, Inc.
Classification: Pathogenic for Pheochromocytoma/paraganglioma syndrome 4. Last evaluated: 2025-08-06. Review status: criteria provided, single submitter. Criteria: Myriad Autosomal Dominant, Autosomal Recessive and X-Linked Classification Criteria (2023). Collection method: clinical testing. Allele origin: unknown.
Comment: This variant is considered pathogenic. This variant creates a frameshift predicted to result in premature protein truncation.

Labcorp Genetics (formerly Invitae), Labcorp
Classification: Pathogenic for Gastrointestinal stromal tumor; Pheochromocytoma/paraganglioma syndrome 4; Pheochromocytoma. Last evaluated: 2025-05-23. Review status: criteria provided, single submitter. Criteria: Invitae Variant Classification Sherloc (09022015). Collection method: clinical testing. Allele origin: germline.
Comment: This sequence change creates a premature translational stop signal (p.Phe238Serfs*10) in the SDHB gene. While this is not anticipated to result in nonsense mediated decay, it is expected to disrupt the last 43 amino acid(s) of the SDHB protein. This variant is present in population databases (no rsID available, gnomAD 0.0009%). This premature translational stop signal has been observed in individual(s) with paraganglioma-pheochromocytoma syndromes (PMID: 16317055, 19454582, 22517554, 28490599). This variant is also known as c.713delT (p.Phe238fs). ClinVar contains an entry for this variant (Variation ID: 233795). This variant disrupts a region of the SDHB protein in which other variant(s) (p.Leu240Serfs*16) have been determined to be pathogenic (internal data). This suggests that this is a clinically significant region of the protein, and that variants that disrupt it are likely to be disease-causing. For these reasons, this variant has been classified as Pathogenic.

Ambry Genetics
Classification: Pathogenic for Hereditary cancer-predisposing syndrome. Last evaluated: 2024-09-29. Review status: criteria provided, single submitter. Criteria: Ambry Variant Classification Scheme 2023. Collection method: clinical testing. Allele origin: germline.
Comment: The c.713delT pathogenic mutation, located in coding exon 7 of the SDHB gene, results from a deletion of one nucleotide at nucleotide position 713, causing a translational frameshift with a predicted alternate stop codon (p.F238Sfs*10). This mutation has been identified in several individuals with paraganglioma (PGL) and/or pheochromocytoma (PCC) (Benn DE et al. J. Clin. Endocrinol. Metab. 2006 Mar;91(3):827-36; Burnichon N et al. J. Clin. Endocrinol. Metab. 2009 Aug;94(8):2817-27; Rijken JA et al. Clin. Genet. 2018 Jan;93:60-66). In addition, loss of heterozygosity at the SDHB locus was established in the tumor of a germline carrier of this mutation (Burnichon N et al. J. Clin. Endocrinol. Metab. 2009 Aug;94(8):2817-27). In addition to the clinical data presented in the literature, this alteration occurs at the 3' terminus of theSDHB gene, is not expected to trigger nonsense-mediated mRNA decay, and impacts the last 12% of the protein. However, premature stop codons are typically deleterious in nature and a significant portion of the protein is affected (Ambry internal data). As such, this alteration is interpreted as a disease-causing mutation.

All of Us Research Program, National Institutes of Health
Classification: Pathogenic for Hereditary pheochromocytoma and paraganglioma. Last evaluated: 2024-01-08. Review status: criteria provided, single submitter. Criteria: ACMG Guidelines, 2015. Collection method: clinical testing. Allele origin: germline. Inheritance: Autosomal dominant inheritance. Observed: 1 variant allele, 1 heterozygote.
Comment: This variant deletes 1 nucleotide in exon 7 of the SDHB gene, creating a frameshift and premature translation stop signal in exon 7. This variant is predicted to escape nonsense-mediated decay and be expressed as a truncated protein. This variant has been reported in individuals affected with hereditary paraganglioma-pheochromocytoma syndrome (PMID: 16317055, 19454582, 22517554, 28490599). Downstream truncations are known to be disease-causing (ClinVar variation ID: 12782, 412481, 201607, 421424). This variant has been identified in 1/251466 chromosomes in the general population by the Genome Aggregation Database (gnomAD). Loss of SDHB function is a known mechanism of disease. Based on the available evidence, this variant is classified as Pathogenic.

This study involves interpretation of variants in research participants for the purpose of population health screening. Participant phenotype was not available at the time of variant classification. Additional details can be found in publication PMID: 35346344, PMCID: PMC8962531

Institute of Human Genetics, University of Leipzig Medical Center
Classification: Pathogenic for Gastrointestinal stromal tumor. Last evaluated: 2023-04-19. Review status: criteria provided, single submitter. Criteria: ACMG Guidelines, 2015. Collection method: clinical testing. Allele origin: unknown.
Comment: _x000D_ Criteria applied: PVS1, PS4_MOD, PM2_SUP

Literature cited by the submitters: PubMed 16317055 (cited by 3 submitters); PubMed 19454582 (cited by 3 submitters); PubMed 22517554 (cited by Labcorp Genetics (formerly Invitae), Labcorp and All of Us Research Program, National Institutes of Health); PubMed 28490599 (cited by Labcorp Genetics (formerly Invitae), Labcorp and All of Us Research Program, National Institutes of Health); PubMed 16314641 (cited by Ambry Genetics); PubMed 22492777 (cited by Ambry Genetics); PubMed 25394176 (cited by Ambry Genetics); PubMed 28503760 (cited by Ambry Genetics).